The following is an entry in ClinVar:

ClinVar aggregate classification (germline): Likely pathogenic (1 of 4 stars; one submission).

Allele frequency attached by ClinVar (database versions not stated): gnomAD exomes below 0.00001.
gnomAD v4.1: 1 of 1,613,766 alleles (0.000062%); highest among the groups gnomAD compares: Non-Finnish European, 0.000085%; no homozygotes.

Submission:

Labcorp Genetics (formerly Invitae), Labcorp
Classification: Likely pathogenic. Last evaluated: 2023-06-22. Review status: criteria provided, single submitter. Criteria: Invitae Variant Classification Sherloc (09022015). Collection method: clinical testing. Allele origin: germline.
Comment: This sequence change affects a donor splice site in intron 31 of the CDH23 gene. It is expected to disrupt RNA splicing. Variants that disrupt the donor or acceptor splice site typically lead to a loss of protein function (PMID: 16199547), and loss-of-function variants in CDH23 are known to be pathogenic (PMID: 11138009, 21940737). This variant is not present in population databases (gnomAD no frequency). This variant has not been reported in the literature in individuals affected with CDH23-related conditions. Algorithms developed to predict the effect of sequence changes on RNA splicing suggest that this variant may disrupt the consensus splice site. In summary, the currently available evidence indicates that the variant is pathogenic, but additional data are needed to prove that conclusively. Therefore, this variant has been classified as Likely Pathogenic.

Literature cited by the submitters: PubMed 16199547; PubMed 11138009; PubMed 21940737.

NM_022124.6(CDH23):c.3715+1G>A

Genes: C10orf105 (chromosome 10 open reading frame 105; minus strand), CDH23 (cadherin related 23; plus strand). Cytogenetic location: 10q22.1.
Variant type: single nucleotide variant.
Coding change: c.3715+1G>A on transcript NM_022124.6 (MANE Select); the canonical splice donor site of the intron after coding-DNA position 3715, G replaced by A.
Molecular consequence: splice donor variant. On other transcripts: intron variant (1).
Genome position (GRCh38, 1-based): chr10:71,730,605, G>A. VCF-style: chr10-71730605-G-A. GRCh37 (hg19) VCF-style: chr10-73490362-G-A.
Other names: c.3715+1G>A (NM_001171930.2); c.-6+7123C>T (NM_001168390.2).
Identifiers: ClinVar variation 2724012 (VCV002724012.3), dbSNP rs1564762808, ClinGen allele CA377154940.